The following is an entry in ClinVar:

ClinVar aggregate classification (germline): Likely benign. Review status: criteria provided, single submitter (1 of 4 stars). 2 submissions from 2 submitters: Likely benign (1). 1 of the submissions does not count toward it. Last evaluated 2025-12-15.

Conditions:
PPARG-related disorder. Also called: PPARG-related disorders; PPARG-related condition.

Allele frequency attached by ClinVar (database versions not stated): gnomAD 0.00002; TOPMed 0.00003; ExAC 0.00005; gnomAD exomes 0.00006; ESP Exome Variant Server 0.00008.
gnomAD v4.1: 85 of 1,613,804 alleles (0.0053%); highest among the groups gnomAD compares: Middle Eastern, 0.033%; no homozygotes.

Submissions (2):

Labcorp Genetics (formerly Invitae), Labcorp
Classification: Likely benign. Last evaluated: 2025-12-15. Review status: criteria provided, single submitter. Criteria: Invitae Variant Classification Sherloc (09022015). Collection method: clinical testing. Allele origin: germline.

PreventionGenetics, part of Exact Sciences
Classification: Likely benign for PPARG-related condition. Last evaluated: 2023-08-08. Review status: no assertion criteria provided. Collection method: clinical testing. Allele origin: germline. Not counted in ClinVar's aggregate classification.
Comment: This variant is classified as likely benign based on ACMG/AMP sequence variant interpretation guidelines (Richards et al. 2015 PMID: 25741868, with internal and published modifications).

NM_138711.6(PPARG):c.402G>T (p.Arg134=)

Gene: PPARG (peroxisome proliferator activated receptor gamma; plus strand). Cytogenetic location: 3p25.2.
Variant type: single nucleotide variant.
Coding change: c.402G>T on transcript NM_138711.6 (MANE Select); coding-DNA position 402, G replaced by T.
Protein change: p.Arg134=; no amino-acid change (arginine 134 retained).
Molecular consequence: synonymous variant. On other transcripts: 5 prime UTR variant (1).
Genome position (GRCh38, 1-based): chr3:12,392,625, G>T. VCF-style: chr3-12392625-G-T. GRCh37 (hg19) VCF-style: chr3-12434124-G-T.
Other names: c.402G>T, p.Arg134= (NM_001330615.4, NM_001354666.3, NM_001354667.3 and 6 more transcripts); c.492G>T, p.Arg164= (NM_001354668.2, NM_001374265.1, NM_015869.5); c.-26G>T (NM_001354669.2); c.408G>T, p.Arg136= (NM_001354670.2, NM_001374266.1).
Identifiers: ClinVar variation 747186 (VCV000747186.8), dbSNP rs374670864, ClinGen allele CA2258192.